The following is an entry in ClinVar:

NM_003906.5(MCM3AP):c.717G>A (p.Lys239=)

Gene: MCM3AP (minichromosome maintenance complex component 3 associated protein; minus strand). Cytogenetic location: 21q22.3.
Variant type: single nucleotide variant.
Coding change: c.717G>A on transcript NM_003906.5 (MANE Select); coding-DNA position 717, G replaced by A.
Protein change: p.Lys239=; no amino-acid change (lysine 239 retained).
Molecular consequence: synonymous variant.
Genome position (GRCh38, 1-based): chr21:46,284,570, C>T on the plus strand (G>A on the coding strand, the complement: MCM3AP is on the minus strand). VCF-style: chr21-46284570-C-T. GRCh37 (hg19) VCF-style: chr21-47704484-C-T.
Other names: p.Lys239=.
Identifiers: ClinVar variation 4684443 (VCV004684443.2).

ClinVar aggregate classification (germline): Likely benign. Review status: criteria provided, multiple submitters, no conflicts (2 of 4 stars). 2 submissions from 2 submitters: Likely benign (2). Last evaluated 2025-09-25.

gnomAD v4.1: 44 of 1,614,208 alleles (0.0027%); highest among the groups gnomAD compares: Non-Finnish European, 0.0034%; 1 homozygote.

Submissions (2):

Mayo Clinic Laboratories, Mayo Clinic
Classification: Likely benign. Last evaluated: 2025-09-25. Review status: criteria provided, single submitter. Criteria: ACMG Guidelines, 2015. Collection method: clinical testing. Allele origin: germline. Observed: 1 variant allele.
Comment: BP4, BP7

Labcorp Genetics (formerly Invitae), Labcorp
Classification: Likely benign. Last evaluated: 2025-05-25. Review status: criteria provided, single submitter. Criteria: Invitae Variant Classification Sherloc (09022015). Collection method: clinical testing. Allele origin: germline.